The following is an entry in ClinVar:

ClinVar aggregate classification (germline): Uncertain significance. Review status: criteria provided, multiple submitters, no conflicts (2 of 4 stars). 4 submissions from 4 submitters: Uncertain significance (4). Last evaluated 2025-02-18.

Conditions:
Charcot-Marie-Tooth disease type 2. Also called: Charcot-Marie-Tooth type 2. Identifiers: Orphanet 64746, MedGen C0270914, MONDO:0018993.
Charcot-Marie-Tooth disease type 2D (CMT2D). Also called: GARS1 Adolescent- or Early Adult-Onset Hereditary Motor/Sensory Neuropathy (GARS1-HMSN); Charcot-Marie-Tooth Neuropathy Type 2D; CHARCOT-MARIE-TOOTH DISEASE, AXONAL, TYPE 2D; CHARCOT-MARIE-TOOTH DISEASE, NEURONAL, TYPE 2D. Identifiers: Orphanet 99938, MedGen C1832274, MONDO:0011091, OMIM 601472.

Allele frequency attached by ClinVar (database versions not stated): ExAC 0.00001; gnomAD exomes 0.00001 and 0.00003; TOPMed 0.00002; gnomAD 0.00003; ESP Exome Variant Server 0.00008.

Submissions (4):

GeneDx
Classification: Uncertain significance. Last evaluated: 2025-02-18. Review status: criteria provided, single submitter. Criteria: GeneDx Variant Classification Process June 2021. Collection method: clinical testing. Allele origin: germline. Affected: yes.
Comment: Not observed at significant frequency in large population cohorts (gnomAD); In silico analysis supports that this missense variant has a deleterious effect on protein structure/function; Has not been previously published as pathogenic or benign to our knowledge

Labcorp Genetics (formerly Invitae), Labcorp
Classification: Uncertain significance for Charcot-Marie-Tooth disease type 2. Last evaluated: 2024-03-27. Review status: criteria provided, single submitter. Criteria: Invitae Variant Classification Sherloc (09022015). Collection method: clinical testing. Allele origin: germline.
Comment: This sequence change replaces lysine, which is basic and polar, with arginine, which is basic and polar, at codon 102 of the GARS protein (p.Lys102Arg). This variant is present in population databases (rs369224847, gnomAD 0.006%). This variant has not been reported in the literature in individuals affected with GARS-related conditions. ClinVar contains an entry for this variant (Variation ID: 245830). Advanced modeling of protein sequence and biophysical properties (such as structural, functional, and spatial information, amino acid conservation, physicochemical variation, residue mobility, and thermodynamic stability) performed at Invitae indicates that this missense variant is not expected to disrupt GARS protein function with a negative predictive value of 80%. In summary, the available evidence is currently insufficient to determine the role of this variant in disease. Therefore, it has been classified as a Variant of Uncertain Significance.

Blueprint Genetics
Classification: Uncertain significance. Last evaluated: 2022-11-16. Review status: criteria provided, single submitter. Criteria: ACMG Guidelines, 2015. Collection method: clinical testing. Allele origin: germline.

3billion
Classification: Uncertain significance for Charcot-Marie-Tooth disease type 2D. Last evaluated: 2022-01-03. Review status: criteria provided, single submitter. Criteria: ACMG Guidelines, 2015. Collection method: clinical testing. Allele origin: germline. Affected: yes. Observed: 1 heterozygote.
Comment: It is observed at an extremely low frequency in the gnomAD v2.1.1 dataset (total allele frequency: 0.000011, PM2_M). In silico tool predictions suggest damaging effect of the variant on gene or gene product (REVEL: 0.717, PP3_P). Therefore, this variant is classified as uncertain significance according to the recommendation of ACMG/AMP guideline.

NM_002047.4(GARS1):c.305A>G (p.Lys102Arg)

Gene: GARS1 (glycyl-tRNA synthetase 1; plus strand). Cytogenetic location: 7p14.3.
Variant type: single nucleotide variant.
Coding change: c.305A>G on transcript NM_002047.4 (MANE Select); coding-DNA position 305, A replaced by G.
Protein change: p.Lys102Arg; replaces lysine 102 with arginine.
Molecular consequence: missense variant.
Genome position (GRCh38, 1-based): chr7:30,598,878, A>G. VCF-style: chr7-30598878-A-G. GRCh37 (hg19) VCF-style: chr7-30638494-A-G.
Other names: c.305A>G (LRG_243t1); c.143A>G, p.Lys48Arg (NM_001316772.1); short protein forms K102R, K48R.
Identifiers: ClinVar variation 245830 (VCV000245830.12), dbSNP rs369224847, ClinGen allele CA4205646.